The following is an entry in ClinVar:

NM_001358921.2(COQ2):c.813C>T (p.Phe271=)

Gene: COQ2 (coenzyme Q2, polyprenyltransferase; minus strand). Cytogenetic location: 4q21.23.
Variant type: single nucleotide variant.
Coding change: c.813C>T on transcript NM_001358921.2 (MANE Select); coding-DNA position 813, C replaced by T.
Protein change: p.Phe271=; no amino-acid change (phenylalanine 271 retained).
Molecular consequence: synonymous variant.
Genome position (GRCh38, 1-based): chr4:83,267,724, G>A on the plus strand (C>T on the coding strand, the complement: COQ2 is on the minus strand). VCF-style: chr4-83267724-G-A. GRCh37 (hg19) VCF-style: chr4-84188877-G-A.
Other names: c.963C>T, p.Phe321= (NM_015697.9); c.963C>T (NM_015697.7).
Identifiers: ClinVar variation 1593902 (VCV001593902.10), dbSNP rs538352658, ClinGen allele CA2988501.

ClinVar aggregate classification (germline): Likely benign. Review status: criteria provided, single submitter (1 of 4 stars). 2 submissions from 2 submitters: Likely benign (1). 1 of the submissions does not count toward it. Last evaluated 2026-01-01.

Conditions:
COQ2-related disorder. Also called: COQ2-related condition.

Allele frequency attached by ClinVar (database versions not stated): gnomAD exomes 0.00002 and 0.00007; TOPMed 0.00014; 1000 Genomes Project 30x 0.00016; gnomAD 0.00016; 1000 Genomes Project 0.00020.
gnomAD v4.1: 57 of 1,552,426 alleles (0.0037%); highest among the groups gnomAD compares: Admixed American, 0.055%; no homozygotes.

Submissions (2):

Labcorp Genetics (formerly Invitae), Labcorp
Classification: Likely benign. Last evaluated: 2026-01-01. Review status: criteria provided, single submitter. Criteria: Invitae Variant Classification Sherloc (09022015). Collection method: clinical testing. Allele origin: germline.

PreventionGenetics, part of Exact Sciences
Classification: Likely benign for COQ2-related condition. Last evaluated: 2019-12-30. Review status: no assertion criteria provided. Collection method: clinical testing. Allele origin: germline. Not counted in ClinVar's aggregate classification.
Comment: This variant is classified as likely benign based on ACMG/AMP sequence variant interpretation guidelines (Richards et al. 2015 PMID: 25741868, with internal and published modifications).